The following is an entry in ClinVar:

ClinVar aggregate classification (germline): Uncertain significance. Review status: criteria provided, multiple submitters, no conflicts (2 of 4 stars). 3 submissions from 3 submitters: Uncertain significance (3). Last evaluated 2025-02-18.

Conditions:
Malignant hyperthermia, susceptibility to, 1 (MHS1). Also called: Anesthesia related hyperthermia; Malignant hyperpyrexia; Fulminating hyperpyrexia; Pharmacogenic myopathy; RYR1-Related Malignant Hyperthermia Susceptibility; Malignant hyperthermia suceptibility 1. Identifiers: Orphanet 423, MedGen C2930980, MONDO:0007783, OMIM 145600.

Allele frequency attached by ClinVar (database versions not stated): TOPMed below 0.00001; ExAC 0.00001.
gnomAD v4.1: 11 of 1,612,896 alleles (0.00068%); highest among the groups gnomAD compares: Non-Finnish European, 0.00093%; no homozygotes.

Submissions (3):

Greenwood Genetic Center Diagnostic Laboratories, Greenwood Genetic Center
Classification: Uncertain significance. Last evaluated: 2025-02-18. Review status: criteria provided, single submitter. Criteria: ACMG Guidelines, 2015. Collection method: clinical testing. Allele origin: germline.
Comment: PM2, PP2

Women's Health and Genetics/Laboratory Corporation of America, LabCorp
Classification: Uncertain significance. Last evaluated: 2024-03-08. Review status: criteria provided, single submitter. Criteria: LabCorp Variant Classification Summary - May 2015. Collection method: clinical testing. Allele origin: germline.
Comment: Variant summary: RYR1 c.7715C>T (p.Thr2572Ile) results in a non-conservative amino acid change in the encoded protein sequence. Four of five in-silico tools predict a damaging effect of the variant on protein function. The variant allele was found at a frequency of 8e-06 in 250390 control chromosomes. The available data on variant occurrences in the general population are insufficient to allow any conclusion about variant significance. To our knowledge, no occurrence of c.7715C>T in individuals affected with Myopathy, RYR1-Associated and no experimental evidence demonstrating its impact on protein function have been reported. No submitters have cited clinical-significance assessments for this variant to ClinVar. Based on the evidence outlined above, the variant was classified as uncertain significance.

Color Diagnostics, LLC DBA Color Health
Classification: Uncertain significance for Malignant hyperthermia, susceptibility to, 1. Last evaluated: 2023-10-18. Review status: criteria provided, single submitter. Criteria: ACMG Guidelines, 2015. Collection method: clinical testing. Allele origin: germline.
Comment: This missense variant replaces threonine with isoleucine at codon 2572 of the RYR1 protein. Computational prediction is inconclusive regarding the impact of this variant on protein structure and function. To our knowledge, functional studies have not been reported for this variant. This variant has not been reported in individuals affected with RYR1-related disorders in the literature. This variant has been identified in 2/250390 chromosomes in the general population by the Genome Aggregation Database (gnomAD). The available evidence is insufficient to determine the role of this variant in disease conclusively. Therefore, this variant is classified as a Variant of Uncertain Significance.

NM_000540.3(RYR1):c.7715C>T (p.Thr2572Ile)

Gene: RYR1 (ryanodine receptor 1; plus strand). Cytogenetic location: 19q13.2.
Variant type: single nucleotide variant.
Coding change: c.7715C>T on transcript NM_000540.3 (MANE Select); coding-DNA position 7715, C replaced by T.
Protein change: p.Thr2572Ile; replaces threonine 2572 with isoleucine.
Molecular consequence: missense variant.
Genome position (GRCh38, 1-based): chr19:38,502,607, C>T. VCF-style: chr19-38502607-C-T. GRCh37 (hg19) VCF-style: chr19-38993247-C-T.
Other names: c.7715C>T, p.Thr2572Ile (NM_001042723.2); short protein forms T2572I.
Identifiers: ClinVar variation 3233561 (VCV003233561.4), dbSNP rs770314263, ClinGen allele CA070040.